The following is an entry in ClinVar:

NM_001498.4(GCLC):c.984A>T (p.Arg328=)

Gene: GCLC (glutamate-cysteine ligase catalytic subunit; minus strand). Cytogenetic location: 6p12.1.
Variant type: single nucleotide variant.
Coding change: c.984A>T on transcript NM_001498.4 (MANE Select); coding-DNA position 984, A replaced by T.
Protein change: p.Arg328=; no amino-acid change (arginine 328 retained).
Molecular consequence: synonymous variant.
Genome position (GRCh38, 1-based): chr6:53,507,580, T>A on the plus strand (A>T on the coding strand, the complement: GCLC is on the minus strand). VCF-style: chr6-53507580-T-A. GRCh37 (hg19) VCF-style: chr6-53372378-T-A.
Other names: c.870A>T, p.Arg290= (NM_001197115.2).
Identifiers: ClinVar variation 763977 (VCV000763977.43), dbSNP rs181411098, ClinGen allele CA3860197.

ClinVar aggregate classification (germline): Benign/Likely benign. Review status: criteria provided, multiple submitters, no conflicts (2 of 4 stars). 5 submissions from 5 submitters: Benign (1); Likely benign (3). 1 of the submissions does not count toward it. Last evaluated 2025-06-04.

Conditions:
GCLC-related disorder. Also called: GCLC-related condition.

Allele frequency attached by ClinVar (database versions not stated): gnomAD 0.00010 and 0.00011; 1000 Genomes Project 0.00060; 1000 Genomes Project 30x 0.00062; TOPMed 0.00020.
gnomAD v4.1: 154 of 1,574,008 alleles (0.0098%); highest among the groups gnomAD compares: East Asian, 0.28%; 2 homozygotes.

Submissions (5):

ARUP Laboratories, Molecular Genetics and Genomics, ARUP Laboratories
Classification: Likely benign. Last evaluated: 2025-06-04. Review status: criteria provided, single submitter. Criteria: ARUP Molecular Germline Variant Investigation Process 2024. Collection method: clinical testing. Allele origin: germline.

CeGaT Center for Human Genetics Tuebingen
Classification: Likely benign. Last evaluated: 2025-02-01. Review status: criteria provided, single submitter. Criteria: CeGaT Center For Human Genetics Tuebingen Variant Classification Criteria Version 2. Collection method: clinical testing. Allele origin: germline. Affected: yes. Observed: 2 variant alleles.
Comment: GCLC: BP4, BP7

Blueprint Genetics
Classification: Likely benign. Last evaluated: 2024-10-16. Review status: criteria provided, single submitter. Criteria: ACMG Guidelines, 2015. Collection method: clinical testing. Allele origin: germline.

Labcorp Genetics (formerly Invitae), Labcorp
Classification: Benign. Last evaluated: 2022-07-19. Review status: criteria provided, single submitter. Criteria: Invitae Variant Classification Sherloc (09022015). Collection method: clinical testing. Allele origin: germline.

PreventionGenetics, part of Exact Sciences
Classification: Likely benign for GCLC-related condition. Last evaluated: 2019-09-10. Review status: no assertion criteria provided. Collection method: clinical testing. Allele origin: germline. Not counted in ClinVar's aggregate classification.
Comment: This variant is classified as likely benign based on ACMG/AMP sequence variant interpretation guidelines (Richards et al. 2015 PMID: 25741868, with internal and published modifications).